The following is an entry in ClinVar:

NM_004655.4(AXIN2):c.-24C>G

Gene: AXIN2 (axin 2; minus strand). Cytogenetic location: 17q24.1.
Variant type: single nucleotide variant.
Coding change: c.-24C>G on transcript NM_004655.4 (MANE Select); 24 bases upstream of the start codon, C replaced by G.
Molecular consequence: 5 prime UTR variant.
Genome position (GRCh38, 1-based): chr17:65,558,644, G>C on the plus strand (C>G on the coding strand, the complement: AXIN2 is on the minus strand). VCF-style: chr17-65558644-G-C. GRCh37 (hg19) VCF-style: chr17-63554762-G-C.
Other names: c.-24C>G (LRG_296t1, NM_001363813.1).
Identifiers: ClinVar variation 488746 (VCV000488746.2), dbSNP rs781660710, ClinGen allele CA8719123.
Genomic context (GRCh38, chr17:65,558,644, plus strand): 5'-GGTCCGGGAGGCAAGTCACCAACATAGCGCTACTCATGGTGAGGGAGCTCTTCCCACTGA[G>C]TCTGGGAATTTTTCTTCTTCCAGTTCCTCTCAGCAATCGGCGTGGTCTCTCTGTCTCTCT-3'

ClinVar aggregate classification (germline): Uncertain significance (1 of 4 stars; one submission).

Allele frequency attached by ClinVar (database versions not stated): gnomAD exomes 0.00003; gnomAD 0.00003 and 0.00002; TOPMed 0.00002; ExAC 0.00003.
gnomAD v4.1: 41 of 1,597,856 alleles (0.0026%); highest among the groups gnomAD compares: Middle Eastern, 0.26%; 1 homozygote.

Submission:

GeneDx
Classification: Uncertain significance. Last evaluated: 2017-11-13. Review status: criteria provided, single submitter. Criteria: GeneDx Variant Classification (06012015). Collection method: clinical testing. Allele origin: germline. Affected: yes.
Comment: This variant is denoted AXIN2 c.-24C>G and describes a nucleotide substitution 24 base pairsupstream of the ATG translational start site in the 5' untranslated region (UTR). The surrounding sequence, with thebase that is substituted in brackets, is CAGA[C/G]TCAG. This variant has not, to our knowledge, been published in theliterature as pathogenic or benign. This variant does not appear to affect the start codon or the Kozak translationalconsensus sequence. AXIN2 c.-24C>G occurs at a position that is conserved across species. AXIN2 c.-24C>G wasnot observed at a significant allele frequency in large population cohorts (Lek 2016). Based on currently availableinformation, it is unclear whether AXIN2 c.-24C>G is pathogenic or benign. We consider it to be a variant of uncertainsignificance.